The following is an entry in ClinVar:

NM_000179.3(MSH6):c.671A>C (p.Glu224Ala)

Gene: MSH6 (mutS homolog 6; plus strand). Cytogenetic location: 2p16.3.
Variant type: single nucleotide variant.
Coding change: c.671A>C on transcript NM_000179.3 (MANE Select); coding-DNA position 671, A replaced by C.
Protein change: p.Glu224Ala; replaces glutamic acid 224 with alanine.
Molecular consequence: missense variant. On other transcripts: 5 prime UTR variant (9), non-coding transcript variant (4), intron variant (1).
Genome position (GRCh38, 1-based): chr2:47,798,654, A>C. VCF-style: chr2-47798654-A-C. GRCh37 (hg19) VCF-style: chr2-48025793-A-C.
Other names: c.281A>C, p.Glu94Ala (NM_001281492.2); c.-236A>C (NM_001281493.2, NM_001281494.2, NM_001406811.1 and 6 more transcripts); c.767A>C, p.Glu256Ala (NM_001406795.1, NM_001406802.1); c.671A>C, p.Glu224Ala (NM_001406796.1, NM_001406798.1, NM_001406800.1 and 4 more transcripts); c.374A>C, p.Glu125Ala (NM_001406797.1, NM_001406801.1, NM_001406805.1 and 10 more transcripts); c.146A>C, p.Glu49Ala (NM_001406799.1, NM_001406806.1, NM_001406807.1); c.593A>C, p.Glu198Ala (NM_001406804.1); c.677A>C, p.Glu226Ala (NM_001406813.1); and 2 more; short protein forms E125A, E168A, E198A, E226A, E94A, E256A, E49A, E224A.
Identifiers: ClinVar variation 2769311 (VCV002769311.3), dbSNP rs2104290305, ClinGen allele CA346739418.

ClinVar aggregate classification (germline): Uncertain significance (1 of 4 stars; one submission).

Conditions:
Hereditary nonpolyposis colorectal neoplasms. Identifiers: MedGen C0009405, MeSH D003123.

Submission:

Labcorp Genetics (formerly Invitae), Labcorp
Classification: Uncertain significance for Hereditary nonpolyposis colorectal neoplasms. Last evaluated: 2023-10-17. Review status: criteria provided, single submitter. Criteria: Invitae Variant Classification Sherloc (09022015). Collection method: clinical testing. Allele origin: germline.
Comment: This sequence change replaces glutamic acid, which is acidic and polar, with alanine, which is neutral and non-polar, at codon 224 of the MSH6 protein (p.Glu224Ala). This variant is not present in population databases (gnomAD no frequency). This variant has not been reported in the literature in individuals affected with MSH6-related conditions. Advanced modeling of protein sequence and biophysical properties (such as structural, functional, and spatial information, amino acid conservation, physicochemical variation, residue mobility, and thermodynamic stability) performed at Invitae indicates that this missense variant is not expected to disrupt MSH6 protein function. In summary, the available evidence is currently insufficient to determine the role of this variant in disease. Therefore, it has been classified as a Variant of Uncertain Significance.